The following is an entry in ClinVar:

NM_001379500.1(COL18A1):c.3465del (p.Ala1156fs)

Genes: COL18A1 (collagen type XVIII alpha 1 chain; plus strand), SLC19A1 (solute carrier family 19 member 1; minus strand). Cytogenetic location: 21q22.3.
Variant type: Deletion.
Coding change: c.3465del on transcript NM_001379500.1 (MANE Select); coding-DNA position 3465, one base deleted (C; older notation c.3465delC).
Protein change: p.Ala1156fs; shifts the reading frame from alanine 1156.
Molecular consequence: frameshift variant.
Genome position (GRCh38, 1-based): chr21:45,509,571, C deleted; the last of 3 consecutive C bases (chr21:45,509,569-45,509,571); deleting any one gives the same sequence. VCF-style (leftmost placement, unchanged base first): chr21-45509568-AC-A. GRCh37 (hg19) VCF-style: chr21-46929482-AC-A.
Other names: c.3996del, p.Ala1333fs (NM_030582.4); c.4701del, p.Ala1568fs (NM_130444.3); short protein forms A1156fs, A1333fs, A1568fs.
Identifiers: ClinVar variation 4086148 (VCV004086148.1).

ClinVar aggregate classification (germline): Likely pathogenic (1 of 4 stars; one submission).

Conditions:
Knobloch syndrome 1 (KNO1). Identifiers: MedGen C4551775, MONDO:0800167, OMIM 267750.

Submission:

Neuberg Centre For Genomic Medicine, NCGM
Classification: Likely pathogenic for Knobloch syndrome 1. Review status: criteria provided, single submitter. Criteria: ACMG Guidelines, 2015. Collection method: clinical testing. Allele origin: germline. Inheritance: Autosomal recessive inheritance. Affected: yes.
Comment: Loss-of-function variants in COL18A1 are known to be pathogenic (Suzuki OT et al., 2002)